The following is an entry in ClinVar:

ClinVar aggregate classification (germline): Likely benign. Review status: criteria provided, multiple submitters, no conflicts (2 of 4 stars). 2 submissions from 2 submitters: Likely benign (2). Last evaluated 2024-10-08.

Conditions:
Inborn genetic diseases. Identifiers: MedGen C0950123, MeSH D030342.

Allele frequency attached by ClinVar (database versions not stated): gnomAD 0.00002 and 0.00003; gnomAD exomes 0.00002 and 0.00004; TOPMed 0.00004; ExAC 0.00005.
gnomAD v4.1: 22 of 1,211,359 alleles (0.0018%); highest among the groups gnomAD compares: African/African-American, 0.01%; no homozygotes.

Submissions (2):

Ambry Genetics
Classification: Likely benign for Inborn genetic diseases. Last evaluated: 2024-10-08. Review status: criteria provided, single submitter. Criteria: Ambry Variant Classification Scheme 2023. Collection method: clinical testing. Allele origin: germline.

Laboratorio de Genetica e Diagnostico Molecular, Hospital Israelita Albert Einstein
Classification: Likely benign. Last evaluated: 2022-03-08. Review status: criteria provided, single submitter. Criteria: ACMG Guidelines, 2015. Collection method: clinical testing. Allele origin: germline. Affected: yes.
Comment: ACMG classification criteria: BS2, BP4

NM_001001344.3(ATP2B3):c.1762C>T (p.Arg588Cys)

Gene: ATP2B3 (ATPase plasma membrane Ca2+ transporting 3; plus strand). Cytogenetic location: Xq28.
Variant type: single nucleotide variant.
Coding change: c.1762C>T on transcript NM_001001344.3 (MANE Select); coding-DNA position 1762, C replaced by T.
Protein change: p.Arg588Cys; replaces arginine 588 with cysteine.
Molecular consequence: missense variant.
Genome position (GRCh38, 1-based): chrX:153,550,225, C>T. VCF-style: chrX-153550225-C-T. GRCh37 (hg19) VCF-style: chrX-152815683-C-T.
Other names: c.1762C>T, p.Arg588Cys (NM_001388360.1, NM_001388361.1, NM_001388362.1 and 1 more transcripts); c.1762C>T (NM_001001344.2); short protein forms R588C.
Identifiers: ClinVar variation 1690567 (VCV001690567.3), dbSNP rs781860414, ClinGen allele CA10547797.
Genomic context (GRCh38, chrX:153,550,225, plus strand): 5'-GACAAGCTTTACAAAGTGTACACCTTCAACTCGGTCCGCAAGTCCATGAGCACAGTCATC[C>T]GCATGCCCGACGGTGGCTTCCGCCTCTTCAGCAAGGGGGCCTCAGAGATCCTCTTGAAAA-3'
Protein context (NP_001001344.1, residues 578-598): SVRKSMSTVI[Arg588Cys]MPDGGFRLFS